The following is an entry in ClinVar:

NM_000352.6(ABCC8):c.3455C>T (p.Ala1152Val)

Gene: ABCC8 (ATP binding cassette subfamily C member 8; minus strand). Cytogenetic location: 11p15.1.
Variant type: single nucleotide variant.
Coding change: c.3455C>T on transcript NM_000352.6 (MANE Select); coding-DNA position 3455, C replaced by T.
Protein change: p.Ala1152Val; replaces alanine 1152 with valine.
Molecular consequence: missense variant. On other transcripts: non-coding transcript variant (1).
Genome position (GRCh38, 1-based): chr11:17,404,614, G>A on the plus strand (C>T on the coding strand, the complement: ABCC8 is on the minus strand). VCF-style: chr11-17404614-G-A. GRCh37 (hg19) VCF-style: chr11-17426161-G-A.
Other names: c.3458C>T, p.Ala1153Val (NM_001287174.3); c.3521C>T, p.Ala1174Val (NM_001351295.2); c.3455C>T, p.Ala1152Val (NM_001351296.2); c.3452C>T, p.Ala1151Val (NM_001351297.2); short protein forms A1152V, A1153V, A1151V, A1174V.
Identifiers: ClinVar variation 446769 (VCV000446769.4), dbSNP rs1354859002, ClinGen allele CA379798305.

ClinVar aggregate classification (germline): Uncertain significance. Review status: criteria provided, multiple submitters, no conflicts (2 of 4 stars). 4 submissions from 3 submitters: Uncertain significance (4). Last evaluated 2023-11-03.

Conditions:
Transitory neonatal diabetes mellitus. Also called: Transient neonatal diabetes mellitus. Identifiers: MedGen C0342273, MONDO:0020525, HP:0008255.
Maturity-onset diabetes of the young (MODY). Also called: Maturity onset diabetes mellitus in young. Identifiers: Orphanet 552, MedGen C0342276, MONDO:0018911, HP:0004904.

Allele frequency attached by ClinVar (database versions not stated): TOPMed below 0.00001; gnomAD 0.00001.
gnomAD v4.1: 1 of 1,613,766 alleles (0.000062%); highest among the groups gnomAD compares: Non-Finnish European, 0.000085%; no homozygotes.

Submissions (4):

ARUP Laboratories, Molecular Genetics and Genomics, ARUP Laboratories
Classification: Uncertain significance. Last evaluated: 2023-11-03. Review status: criteria provided, single submitter. Criteria: ARUP Molecular Germline Variant Investigation Process 2024. Collection method: clinical testing. Allele origin: germline.

Athena Diagnostics
Classification: Uncertain significance. Last evaluated: 2017-01-12. Review status: criteria provided, single submitter. Criteria: Athena Diagnostics Criteria. Collection method: clinical testing. Allele origin: germline.

Clinical Genomics, Uppaluri K&H Personalized Medicine Clinic
Classification: Uncertain significance for Maturity-onset diabetes of the young. Review status: criteria provided, single submitter. Criteria: K & H Uppaluri Personalized Medicine Clinic Variant Classification & Assertion Criteria_Updated V.1. Collection method: research. Allele origin: somatic. Inheritance: Somatic mutation.
Comment: Mutations in ABCC8 gene are associated with both neonatal diabetes mellitus as well as MODY. Patients with this mutation may have a better response to sulfonylureas. However, no sufficient evidence is found to ascertain the role of this particular variant (rs1354859002) in MODY yet.

Clinical Genomics, Uppaluri K&H Personalized Medicine Clinic
Classification: Uncertain significance for Transitory neonatal diabetes mellitus. Review status: criteria provided, single submitter. Criteria: K & H Uppaluri Personalized Medicine Clinic Variant Classification & Assertion Criteria_Updated V.1. Collection method: research. Allele origin: unknown.
Comment: Mutations in ABCC8 gene are associated with both neonatal diabetes mellitus as well as MODY. Patients with this mutation may have a better response to sulfonylureas. However, no sufficient evidence is found to ascertain the role of this particular variant (rs1354859002) in neonatal diabetes yet.

Literature cited by the submitters: PubMed 16885549 (cited by Clinical Genomics, Uppaluri K&H Personalized Medicine Clinic); PubMed 21989597 (cited by Clinical Genomics, Uppaluri K&H Personalized Medicine Clinic); PubMed 27538677 (cited by Clinical Genomics, Uppaluri K&H Personalized Medicine Clinic); PubMed 18981553 (cited by Clinical Genomics, Uppaluri K&H Personalized Medicine Clinic); PubMed 32027066 (cited by Clinical Genomics, Uppaluri K&H Personalized Medicine Clinic); PubMed 16613899 (cited by Clinical Genomics, Uppaluri K&H Personalized Medicine Clinic); PubMed 18025408 (cited by Clinical Genomics, Uppaluri K&H Personalized Medicine Clinic); PubMed 32792356 (cited by Clinical Genomics, Uppaluri K&H Personalized Medicine Clinic).